The following is an entry in ClinVar:

NM_001134363.3(RBM20):c.7C>T (p.Leu3=)

Gene: RBM20 (RNA binding motif protein 20; plus strand). Cytogenetic location: 10q25.2.
Variant type: single nucleotide variant.
Coding change: c.7C>T on transcript NM_001134363.3 (MANE Select); coding-DNA position 7, C replaced by T.
Protein change: p.Leu3=; no amino-acid change (leucine 3 retained).
Molecular consequence: synonymous variant.
Genome position (GRCh38, 1-based): chr10:110,644,461, C>T. VCF-style: chr10-110644461-C-T. GRCh37 (hg19) VCF-style: chr10-112404219-C-T.
Identifiers: ClinVar variation 416823 (VCV000416823.17), dbSNP rs993059293, ClinGen allele CA16612832.

ClinVar aggregate classification (germline): Likely benign. Review status: criteria provided, multiple submitters, no conflicts (2 of 4 stars). 5 submissions from 5 submitters: Likely benign (5). Last evaluated 2026-03-27.

Conditions:
Cardiovascular phenotype. Identifiers: MedGen CN230736.
Dilated cardiomyopathy 1DD (CMD1DD). Identifiers: Orphanet 154, MedGen C2750995, MONDO:0013168, OMIM 613172.

Allele frequency attached by ClinVar (database versions not stated): gnomAD 0.00006 and 0.00008; TOPMed 0.00007.
gnomAD v4.1: 22 of 1,510,750 alleles (0.0015%); highest among the groups gnomAD compares: African/African-American, 0.026%; no homozygotes.

Submissions (5):

Molecular Diagnostic Laboratory for Inherited Cardiovascular Disease, Montreal Heart Institute
Classification: Likely benign. Last evaluated: 2026-03-27. Review status: criteria provided, single submitter. Criteria: ACMG Guidelines, 2015. Collection method: clinical testing. Allele origin: germline. Affected: no.
Comment: BS1;BP7

Labcorp Genetics (formerly Invitae), Labcorp
Classification: Likely benign for Dilated cardiomyopathy 1DD. Last evaluated: 2025-09-14. Review status: criteria provided, single submitter. Criteria: Invitae Variant Classification Sherloc (09022015). Collection method: clinical testing. Allele origin: germline.

ARUP Laboratories, Molecular Genetics and Genomics, ARUP Laboratories
Classification: Likely benign for Dilated cardiomyopathy 1DD. Last evaluated: 2025-04-08. Review status: criteria provided, single submitter. Criteria: ARUP Molecular Germline Variant Investigation Process 2024. Collection method: clinical testing. Allele origin: germline.

Ambry Genetics
Classification: Likely benign for Cardiovascular phenotype. Last evaluated: 2021-03-09. Review status: criteria provided, single submitter. Criteria: Ambry Variant Classification Scheme 2023. Collection method: clinical testing. Allele origin: germline.

GeneDx
Classification: Likely benign. Last evaluated: 2019-07-08. Review status: criteria provided, single submitter. Criteria: GeneDx Variant Classification Process June 2021. Collection method: clinical testing. Allele origin: germline. Affected: yes.

Literature cited by the submitters: PubMed 20590677 (cited by Ambry Genetics).